The following is an entry in ClinVar:

NM_000160.5(GCGR):c.988G>A (p.Val330Met)

Gene: GCGR (glucagon receptor; plus strand). Cytogenetic location: 17q25.3.
Variant type: single nucleotide variant.
Coding change: c.988G>A on transcript NM_000160.5 (MANE Select); coding-DNA position 988, G replaced by A.
Protein change: p.Val330Met; replaces valine 330 with methionine.
Molecular consequence: missense variant.
Genome position (GRCh38, 1-based): chr17:81,812,616, G>A. VCF-style: chr17-81812616-G-A. GRCh37 (hg19) VCF-style: chr17-79770492-G-A.
Other names: short protein forms V330M.
Identifiers: ClinVar variation 2972041 (VCV002972041.3), dbSNP rs371777245, ClinGen allele CA295101369.
Genomic context (GRCh38, chr17:81,812,616, plus strand): 5'-ACTCGCACCCTTCTCACACAGATCAACTTCTTCATCTTCGTCCGCATCGTTCAGCTGCTC[G>A]TGGCCAAGCTGCGGGCACGGCAGATGCACCACACAGACTACAAGTTCCGGTGGGTGCCGC-3'
Protein context (NP_000151.1, residues 320-340): FIFVRIVQLL[Val330Met]AKLRARQMHH

ClinVar aggregate classification (germline): Uncertain significance (1 of 4 stars; one submission).

Allele frequency attached by ClinVar (database versions not stated): gnomAD 0.00001; gnomAD exomes 0.00001; TOPMed 0.00002.
gnomAD v4.1: 21 of 1,536,366 alleles (0.0014%); highest among the groups gnomAD compares: South Asian, 0.0024%; no homozygotes.

Submission:

Labcorp Genetics (formerly Invitae), Labcorp
Classification: Uncertain significance. Last evaluated: 2023-01-27. Review status: criteria provided, single submitter. Criteria: Invitae Variant Classification Sherloc (09022015). Collection method: clinical testing. Allele origin: germline.
Comment: In summary, the available evidence is currently insufficient to determine the role of this variant in disease. Therefore, it has been classified as a Variant of Uncertain Significance. Algorithms developed to predict the effect of missense changes on protein structure and function output the following: SIFT: "Tolerated"; PolyPhen-2: "Benign"; Align-GVGD: "Class C0". The methionine amino acid residue is found in multiple mammalian species, which suggests that this missense change does not adversely affect protein function. This variant has not been reported in the literature in individuals affected with GCGR-related conditions. This variant is present in population databases (rs371777245, gnomAD 0.006%). This sequence change replaces valine, which is neutral and non-polar, with methionine, which is neutral and non-polar, at codon 330 of the GCGR protein (p.Val330Met).